The following is an entry in ClinVar:

ClinVar aggregate classification (germline): Pathogenic (1 of 4 stars; one submission).

Submission:

Labcorp Genetics (formerly Invitae), Labcorp
Classification: Pathogenic. Last evaluated: 2021-11-14. Review status: criteria provided, single submitter. Criteria: Invitae Variant Classification Sherloc (09022015). Collection method: clinical testing. Allele origin: germline.
Comment: For these reasons, this variant has been classified as Pathogenic. This variant has not been reported in the literature in individuals affected with NFKB1-related conditions. This variant is not present in population databases (gnomAD no frequency). This sequence change creates a premature translational stop signal (p.Asp186Glyfs*39) in the NFKB1 gene. It is expected to result in an absent or disrupted protein product. Loss-of-function variants in NFKB1 are known to be pathogenic (PMID: 26279205, 29477724).

Literature cited by the submitters: PubMed 26279205; PubMed 29477724.

NM_003998.4(NFKB1):c.556dup (p.Asp186fs)

Gene: NFKB1 (nuclear factor kappa B subunit 1; plus strand). Cytogenetic location: 4q24.
Variant type: Duplication.
Coding change: c.556dup on transcript NM_003998.4 (MANE Select); coding-DNA position 556, one base duplicated (G; older notation c.556dupG).
Protein change: p.Asp186fs; shifts the reading frame from aspartic acid 186.
Molecular consequence: frameshift variant.
Genome position (GRCh38, 1-based): chr4:102,577,024, G duplicated; the last of 4 consecutive G bases (chr4:102,577,021-102,577,024); duplicating any one gives the same sequence. VCF-style (leftmost placement, unchanged base first): chr4-102577020-A-AG. GRCh37 (hg19) VCF-style: chr4-103498177-A-AG.
Other names: c.553dup, p.Asp185fs (NM_001165412.2, NM_001319226.2, NM_001382627.1); c.556dup, p.Asp186fs (NM_001382625.1, NM_001382626.1); c.514dup, p.Asp172fs (NM_001382628.1); short protein forms D172fs, D185fs, D186fs.
Identifiers: ClinVar variation 1450830 (VCV001450830.6), dbSNP rs2149181968, ClinGen allele CA2573137877.